The following is an entry in ClinVar:

NM_000330.4(RS1):c.498C>A (p.Tyr166Ter)

Genes: CDKL5 (cyclin dependent kinase like 5; plus strand), RS1 (retinoschisin 1; minus strand). Cytogenetic location: Xp22.13.
Variant type: single nucleotide variant.
Coding change: c.498C>A on transcript NM_000330.4 (MANE Select); coding-DNA position 498, C replaced by A.
Protein change: p.Tyr166Ter; replaces tyrosine 166 with a stop codon.
Molecular consequence: nonsense. On other transcripts: intron variant (2).
Genome position (GRCh38, 1-based): chrX:18,644,454, G>T on the plus strand (C>A on the coding strand, the complement: RS1 is on the minus strand). VCF-style: chrX-18644454-G-T. GRCh37 (hg19) VCF-style: chrX-18662574-G-T.
Other names: NM_000330.4(RS1):c.498C>A; p.Tyr166Ter; c.2714-1553G>T (NM_003159.3, NM_001037343.2); short protein forms Y166*.
Identifiers: ClinVar variation 370754 (VCV000370754.15), dbSNP rs1057516744, ClinGen allele CA16042049.

ClinVar aggregate classification (germline): Pathogenic. Review status: reviewed by expert panel (3 of 4 stars). 5 submissions from 5 submitters: Pathogenic (1). 4 of the submissions do not count toward it. Last evaluated 2025-05-19.

Conditions:
Juvenile retinoschisis (RS1). Also called: X-Linked Juvenile Retinoschisis; X-linked retinoschisis. Identifiers: Orphanet 792, MedGen C3714753, MONDO:0010725, OMIM 312700.
RS1-related disorder. Also called: RS1-related condition.

Submissions (5):

ClinGen X-linked Inherited Retinal Disease Variant Curation Expert Panel, ClinGen
Classification: Pathogenic for Juvenile retinoschisis. Last evaluated: 2025-05-19. Review status: reviewed by expert panel. Criteria: ClinGen X LinkedIRD ACMG Specifications RS1 V1.0.0. Collection method: curation. Allele origin: germline. Inheritance: X-linked inheritance.
Comment: The NM_000330.4(RS1):c.498C>A variant is a nonsense variant in amino acid 166, which results in a premature stop codon and causes a truncated protein. This variant is absent from hemizygous individuals in gnomAD v4.1.0 (PM2_Supporting). This is a nonsense variant that introduces a premature stop codon between amino acids 1-223 that is predicted to either trigger nonsense-mediated decay or to disrupt a critical C-terminal region required for proper multimerization of RS1 (PVS1, PMID: 19849666). This variant has been reported in at least 2 apparently unrelated probands meeting the PS4 requirement of a male diagnosed with X-linked retinoschisis (PMIDs: 30025115, 32860923, PS4_Supporting). In summary, this variant is classified as pathogenic for X-linked retinoschisis based on the ClinGen X-linked Inherited Retinal Disease Expert Panel Specifications to the ACMG/AMP Variant Interpretation Guidelines for RS1 Version 1.0.0: PM2_supporting, PVS1, and PS4_supporting (date of approval 01/24/2025).

3billion
Classification: Pathogenic for Juvenile retinoschisis. Last evaluated: 2025-09-12. Review status: criteria provided, single submitter. Criteria: ACMG Guidelines, 2015. Collection method: clinical testing. Allele origin: germline. Affected: yes. Not counted in ClinVar's aggregate classification.
Comment: The variant is not observed in the gnomAD v4.1.0 dataset. Predicted Consequence/Location: Stop-gained (nonsense): predicted to result in a loss or disruption of normal protein function through protein truncation. Multiple pathogenic variants are reported in the predicted truncated region. The variant has been reported multiple times as an established pathogenic variant (ClinVar ID: VCV000370754 /PMID: 22039241). Therefore, this variant is classified as Pathogenic according to the recommendation of ACMG/AMP guideline.

Labcorp Genetics (formerly Invitae), Labcorp
Classification: Pathogenic. Last evaluated: 2020-08-28. Review status: criteria provided, single submitter. Criteria: Invitae Variant Classification Sherloc (09022015). Collection method: clinical testing. Allele origin: germline. Not counted in ClinVar's aggregate classification.
Comment: This sequence change results in a premature translational stop signal in the RS1 gene (p.Tyr166*). While this is not anticipated to result in nonsense mediated decay, it is expected to disrupt the last 59 amino acids of the RS1 protein. This variant is not present in population databases (ExAC no frequency). For these reasons, this variant has been classified as Pathogenic. This variant disrupts the C-terminus of the RS1 protein. Other variant(s) that disrupt this region (p.Trp206*) have been determined to be pathogenic (PMID: 17515881, 9618178, Invitae). This suggests that variants that disrupt this region of the protein are likely to be causative of disease. This variant has not been reported in the literature in individuals with RS1-related conditions. ClinVar contains an entry for this variant (Variation ID: 370754).

Blueprint Genetics
Classification: Pathogenic for RS1-related disorders. Last evaluated: 2020-05-01. Review status: criteria provided, single submitter. Criteria: ACMG Guidelines, 2015. Collection method: clinical testing. Allele origin: germline. Affected: yes. Observed: 1 variant allele. Not counted in ClinVar's aggregate classification.

Counsyl
Classification: Likely pathogenic for Juvenile retinoschisis. Last evaluated: 2016-04-06. Review status: no assertion criteria provided. Collection method: clinical testing. Allele origin: unknown. Not counted in ClinVar's aggregate classification.

Literature cited by the submitters: PubMed 22039241 (cited by 3billion and Counsyl); PubMed 17515881 (cited by Labcorp Genetics (formerly Invitae), Labcorp); PubMed 9618178 (cited by Labcorp Genetics (formerly Invitae), Labcorp).